The following is an entry in ClinVar:

ClinVar aggregate classification (germline): Uncertain significance (1 of 4 stars; one submission).

Allele frequency attached by ClinVar (database versions not stated): gnomAD exomes below 0.00001.
gnomAD v4.1: 1 of 1,614,070 alleles (0.000062%); no homozygotes.

Submission:

Labcorp Genetics (formerly Invitae), Labcorp
Classification: Uncertain significance. Last evaluated: 2022-02-24. Review status: criteria provided, single submitter. Criteria: Invitae Variant Classification Sherloc (09022015). Collection method: clinical testing. Allele origin: germline.
Comment: This sequence change replaces glutamic acid, which is acidic and polar, with glycine, which is neutral and non-polar, at codon 680 of the PRPF3 protein (p.Glu680Gly). In summary, the available evidence is currently insufficient to determine the role of this variant in disease. Therefore, it has been classified as a Variant of Uncertain Significance. Algorithms developed to predict the effect of missense changes on protein structure and function (SIFT, PolyPhen-2, Align-GVGD) all suggest that this variant is likely to be tolerated. ClinVar contains an entry for this variant (Variation ID: 1061063). This variant has not been reported in the literature in individuals affected with PRPF3-related conditions. This variant is present in population databases (no rsID available, gnomAD 0.004%).

NM_004698.4(PRPF3):c.2039A>G (p.Glu680Gly)

Gene: PRPF3 (pre-mRNA processing factor 3; plus strand). Cytogenetic location: 1q21.2.
Variant type: single nucleotide variant.
Coding change: c.2039A>G on transcript NM_004698.4 (MANE Select); coding-DNA position 2039, A replaced by G.
Protein change: p.Glu680Gly; replaces glutamic acid 680 with glycine.
Molecular consequence: missense variant. On other transcripts: non-coding transcript variant (4).
Genome position (GRCh38, 1-based): chr1:150,352,966, A>G. VCF-style: chr1-150352966-A-G. GRCh37 (hg19) VCF-style: chr1-150325442-A-G.
Other names: c.1634A>G, p.Glu545Gly (NM_001350529.1); short protein forms E545G, E680G.
Identifiers: ClinVar variation 1061063 (VCV001061063.9), dbSNP rs1553874770, ClinGen allele CA342291585.